The following is an entry in ClinVar:

ClinVar aggregate classification (germline): Uncertain significance. Review status: criteria provided, multiple submitters, no conflicts (2 of 4 stars). 2 submissions from 2 submitters: Uncertain significance (2). Last evaluated 2025-01-19.

Conditions:
Inborn genetic diseases. Identifiers: MedGen C0950123, MeSH D030342.

Allele frequency attached by ClinVar (database versions not stated): ExAC 0.00008; TOPMed 0.00008; gnomAD 0.00009; gnomAD exomes 0.00013; 1000 Genomes Project 30x 0.00016; 1000 Genomes Project 0.00020.
gnomAD v4.1: 209 of 1,609,382 alleles (0.013%); highest among the groups gnomAD compares: Non-Finnish European, 0.016%; no homozygotes.

Submissions (2):

Labcorp Genetics (formerly Invitae), Labcorp
Classification: Uncertain significance. Last evaluated: 2025-01-19. Review status: criteria provided, single submitter. Criteria: Invitae Variant Classification Sherloc (09022015). Collection method: clinical testing. Allele origin: germline.
Comment: This sequence change replaces arginine, which is basic and polar, with glutamine, which is neutral and polar, at codon 779 of the SPTB protein (p.Arg779Gln). This variant is present in population databases (rs150063025, gnomAD 0.02%). This variant has not been reported in the literature in individuals affected with SPTB-related conditions. ClinVar contains an entry for this variant (Variation ID: 2183839). An algorithm developed to predict the effect of missense changes on protein structure and function outputs the following: PolyPhen-2: "Benign". The glutamine amino acid residue is found in multiple mammalian species, which suggests that this missense change does not adversely affect protein function. In summary, the available evidence is currently insufficient to determine the role of this variant in disease. Therefore, it has been classified as a Variant of Uncertain Significance.

Ambry Genetics
Classification: Uncertain significance for Inborn genetic diseases. Last evaluated: 2023-09-26. Review status: criteria provided, single submitter. Criteria: Ambry Variant Classification Scheme 2023. Collection method: clinical testing. Allele origin: germline.

NM_001355436.2(SPTB):c.2336G>A (p.Arg779Gln)

Gene: SPTB (spectrin beta, erythrocytic; minus strand). Cytogenetic location: 14q23.3.
Variant type: single nucleotide variant.
Coding change: c.2336G>A on transcript NM_001355436.2 (MANE Select); coding-DNA position 2336, G replaced by A.
Protein change: p.Arg779Gln; replaces arginine 779 with glutamine.
Molecular consequence: missense variant.
Genome position (GRCh38, 1-based): chr14:64,793,327, C>T on the plus strand (G>A on the coding strand, the complement: SPTB is on the minus strand). VCF-style: chr14-64793327-C-T. GRCh37 (hg19) VCF-style: chr14-65260045-C-T.
Other names: NM_000347.5:c.2336G>A; c.2336G>A, p.Arg779Gln (NM_001024858.4, NM_001355437.2); short protein forms R779Q.
Identifiers: ClinVar variation 2183839 (VCV002183839.5), dbSNP rs150063025, ClinGen allele CA7230890.
Genomic context (GRCh38, chr14:64,793,327, plus strand): 5'-ATCACCCCACGGCTCTCCTCCAGCTCCTCCAGGAAGTCCTTGTGCTTTTTCCCCAGGGCC[C>T]GCGTGGCCCCTTCGTCCTGCCCCACATCTTCACCAGAGAGCAGCCGGTGGGCGTCTTGCA-3'
Protein context (NP_001342365.1, residues 769-789): EDVGQDEGAT[Arg779Gln]ALGKKHKDFL